The following is an entry in ClinVar:

ClinVar aggregate classification (germline): Benign (1 of 4 stars; one submission).

Allele frequency attached by ClinVar (database versions not stated): gnomAD 0.04500 and 0.04800; 1000 Genomes Project 0.05072; TOPMed 0.05118; 1000 Genomes Project 30x 0.05309.
gnomAD v4.1: 6,760 of 151,892 alleles (4.5%); highest among the groups gnomAD compares: African/African-American, 15%; 502 homozygotes.

Submission:

GeneDx
Classification: Benign. Last evaluated: 2018-06-15. Review status: criteria provided, single submitter. Criteria: GeneDx Variant Classification (06012015). Collection method: clinical testing. Allele origin: germline. Affected: yes.
Comment: This variant is considered likely benign or benign based on one or more of the following criteria: it is a conservative change, it occurs at a poorly conserved position in the protein, it is predicted to be benign by multiple in silico algorithms, and/or has population frequency not consistent with disease.

NM_003002.4(SDHD):c.315-1402C>G

Gene: SDHD (succinate dehydrogenase complex subunit D; plus strand). Cytogenetic location: 11q23.1.
Variant type: single nucleotide variant.
Coding change: c.315-1402C>G on transcript NM_003002.4 (MANE Select); 1402 bases into the intron before coding-DNA position 315, C replaced by G.
Molecular consequence: intron variant.
Genome position (GRCh38, 1-based): chr11:112,093,403, C>G. VCF-style: chr11-112093403-C-G. GRCh37 (hg19) VCF-style: chr11-111964127-C-G.
Other names: c.12+194C>G (NM_001276506.2); c.170-1402C>G (NM_001276503.2); c.198-1402C>G (NM_001276504.2).
Identifiers: ClinVar variation 679732 (VCV000679732.1), dbSNP rs370667125, ClinGen allele CA228554653.